The following is an entry in ClinVar:

NM_004281.4(BAG3):c.140C>T (p.Thr47Ile)

Gene: BAG3 (BAG cochaperone 3; plus strand). Cytogenetic location: 10q26.11.
Variant type: single nucleotide variant.
Coding change: c.140C>T on transcript NM_004281.4 (MANE Select); coding-DNA position 140, C replaced by T.
Protein change: p.Thr47Ile; replaces threonine 47 with isoleucine.
Molecular consequence: missense variant.
Genome position (GRCh38, 1-based): chr10:119,651,815, C>T. VCF-style: chr10-119651815-C-T. GRCh37 (hg19) VCF-style: chr10-121411327-C-T.
Other names: short protein forms T47I.
Identifiers: ClinVar variation 5020317 (VCV005020317.1).

ClinVar aggregate classification (germline): Uncertain significance (1 of 4 stars; one submission).

gnomAD v4.1: 1 of 1,594,582 alleles (0.000063%); highest among the groups gnomAD compares: Admixed American, 0.0017%; no homozygotes.

Submission:

Dasa
Classification: Uncertain significance. Last evaluated: 2026-06-23. Review status: criteria provided, single submitter. Criteria: DASA Assertion Criteria. Collection method: clinical testing. Allele origin: germline.
Comment: NM_004281.4(BAG3):c.140C>T (p.Thr47Ile) is a missense variant that results in the substitution of threonine with isoleucine. This variant is rare in population databases. Computational prediction algorithms are consistent with a deleterious effect. The currently available literature and clinical evidence are not sufficient to establish a definitive association between this variant and the reported condition. Therefore, this variant is classified as a variant of uncertain significance.